The following is an entry in ClinVar:

ClinVar aggregate classification (germline): Uncertain significance (1 of 4 stars; one submission).

Conditions:
Frontotemporal dementia and/or amyotrophic lateral sclerosis 1 (FTDALS1). Also called: C9orf72 Frontotemporal Dementia and/or Amyotrophic Lateral Sclerosis; Frontotemporal dementia with motor neuron disease 1. Identifiers: Orphanet 275872, MedGen C5779877, MONDO:0007105, OMIM 105550.
Paget disease of bone 2, early-onset (PDB2). Also called: Paget disease of bone 2. Identifiers: MedGen C4085251, MONDO:0011183, OMIM 602080.

gnomAD v4.1: 1 of 1,614,194 alleles (0.000062%); highest among the groups gnomAD compares: Admixed American, 0.0017%; no homozygotes.

Submission:

Labcorp Genetics (formerly Invitae), Labcorp
Classification: Uncertain significance for Paget disease of bone 2, early-onset; Frontotemporal dementia and/or amyotrophic lateral sclerosis 1. Last evaluated: 2022-09-19. Review status: criteria provided, single submitter. Criteria: Invitae Variant Classification Sherloc (09022015). Collection method: clinical testing. Allele origin: germline.
Comment: In summary, the available evidence is currently insufficient to determine the role of this variant in disease. Therefore, it has been classified as a Variant of Uncertain Significance. Advanced modeling of protein sequence and biophysical properties (such as structural, functional, and spatial information, amino acid conservation, physicochemical variation, residue mobility, and thermodynamic stability) performed at Invitae indicates that this missense variant is not expected to disrupt SQSTM1 protein function. This variant has not been reported in the literature in individuals affected with SQSTM1-related conditions. This variant is not present in population databases (gnomAD no frequency). This sequence change replaces glutamine, which is neutral and polar, with arginine, which is basic and polar, at codon 357 of the SQSTM1 protein (p.Gln357Arg).

NM_003900.5(SQSTM1):c.1070A>G (p.Gln357Arg)

Gene: SQSTM1 (sequestosome 1; plus strand). Cytogenetic location: 5q35.3.
Variant type: single nucleotide variant.
Coding change: c.1070A>G on transcript NM_003900.5 (MANE Select); coding-DNA position 1070, A replaced by G.
Protein change: p.Gln357Arg; replaces glutamine 357 with arginine.
Molecular consequence: missense variant.
Genome position (GRCh38, 1-based): chr5:179,833,687, A>G. VCF-style: chr5-179833687-A-G. GRCh37 (hg19) VCF-style: chr5-179260687-A-G.
Other names: c.818A>G, p.Gln273Arg (NM_001142298.2, NM_001142299.2); short protein forms Q273R, Q357R.
Identifiers: ClinVar variation 2082163 (VCV002082163.4), dbSNP rs1415449512, ClinGen allele CA362452734.